The following is an entry in ClinVar:

ClinVar aggregate classification (germline): Likely pathogenic (1 of 4 stars; one submission).

Conditions:
Usher syndrome type 2A. Also called: RETINAL DISEASE IN USHER SYNDROME TYPE IIA, MODIFIER OF; USHER SYNDROME, TYPE IIA. Identifiers: Orphanet 231178, Orphanet 886, MedGen C1848634, MONDO:0010169, OMIM 276901.

Submission:

Natera, Inc.
Classification: Likely pathogenic for Usher syndrome type 2A. Last evaluated: 2025-09-26. Review status: criteria provided, single submitter. Criteria: Natera Variant Classification Schema (03/2026). Collection method: clinical testing. Allele origin: germline.
Comment: The c.8486_8487del variant in USH2A is a frameshift variant predicted to shift the reading frame beginning at codon 2829 and leads to a stop codon 5 codons downstream. This variant is expected to result in nonsense mediated decay, truncation, or a dysfunctional protein product. This variant is rare in the general population with a frequency below the threshold expected for the associated phenotype(s). Given the available evidence, this variant is classified as Likely Pathogenic.

NM_206933.4(USH2A):c.8486_8487del (p.Val2829fs)

Gene: USH2A (usherin; minus strand). Cytogenetic location: 1q41.
Variant type: Microsatellite.
Coding change: c.8486_8487del on transcript NM_206933.4 (MANE Select); coding-DNA positions 8486 to 8487, 2 bases deleted (TG; older notation c.8486_8487delTG).
Protein change: p.Val2829fs; shifts the reading frame from valine 2829.
Molecular consequence: frameshift variant.
Genome position (GRCh38, 1-based): chr1:215,878,835-215,878,836, CA deleted on the plus strand (TG on the coding strand, the reverse complement: USH2A is on the minus strand); deleting any 2 consecutive bases within chr1:215,878,835-215,878,838 gives the same sequence; the c. name uses the placement nearest the transcript's 3' end. VCF-style (leftmost placement, unchanged base first): chr1-215878834-TCA-T. GRCh37 (hg19) VCF-style: chr1-216052176-TCA-T.
Other names: short protein forms V2829fs.
Identifiers: ClinVar variation 4817157 (VCV004817157.1).